The following is an entry in ClinVar:

ClinVar aggregate classification (germline): Likely benign. Review status: criteria provided, multiple submitters, no conflicts (2 of 4 stars). 4 submissions from 4 submitters: Likely benign (4). Last evaluated 2025-12-15.

Conditions:
DLL1-related disorder. Also called: DLL1-related condition.

Allele frequency attached by ClinVar (database versions not stated): ESP Exome Variant Server 0.00039.
gnomAD v4.1: 642 of 1,592,112 alleles (0.04%); highest among the groups gnomAD compares: Middle Eastern, 0.25%; 1 homozygote.

Submissions (4):

Labcorp Genetics (formerly Invitae), Labcorp
Classification: Likely benign. Last evaluated: 2025-12-15. Review status: criteria provided, single submitter. Criteria: Invitae Variant Classification Sherloc (09022015). Collection method: clinical testing. Allele origin: germline.

CeGaT Center for Human Genetics Tuebingen
Classification: Likely benign. Last evaluated: 2025-08-01. Review status: criteria provided, single submitter. Criteria: CeGaT Center For Human Genetics Tuebingen Variant Classification Criteria Version 2. Collection method: clinical testing. Allele origin: germline. Affected: yes. Observed: 7 variant alleles.
Comment: DLL1: BP4, BP7

PreventionGenetics, part of Exact Sciences
Classification: Likely benign for DLL1-related condition. Last evaluated: 2024-10-05. Review status: criteria provided, single submitter. Criteria: ACMG Guidelines, 2015. Collection method: clinical testing. Allele origin: germline.
Comment: This variant is classified as likely benign based on ACMG/AMP sequence variant interpretation guidelines (Richards et al. 2015 PMID: 25741868, with internal and published modifications).

Blueprint Genetics
Classification: Likely benign. Last evaluated: 2024-09-20. Review status: criteria provided, single submitter. Criteria: ACMG Guidelines, 2015. Collection method: clinical testing. Allele origin: germline.

NM_005618.4(DLL1):c.1329C>T (p.Asn443=)

Gene: DLL1 (delta like canonical Notch ligand 1; minus strand). Cytogenetic location: 6q27.
Variant type: single nucleotide variant.
Coding change: c.1329C>T on transcript NM_005618.4 (MANE Select); coding-DNA position 1329, C replaced by T.
Protein change: p.Asn443=; no amino-acid change (asparagine 443 retained).
Molecular consequence: synonymous variant.
Genome position (GRCh38, 1-based): chr6:170,283,950, G>A on the plus strand (C>T on the coding strand, the complement: DLL1 is on the minus strand). VCF-style: chr6-170283950-G-A. GRCh37 (hg19) VCF-style: chr6-170593038-G-A.
Other names: c.1329C>T (NM_005618.3).
Identifiers: ClinVar variation 2042937 (VCV002042937.30), dbSNP rs142808021, ClinGen allele CA4106857.
Genomic context (GRCh38, chr6:170,283,950, plus strand): 5'-GTTCACGCCATCCCGGCAGGTGCCCCCGTTGGCGCACGGGGAGGAGGCGCAGTCGTCCAC[G>A]TTGTCGTCACAGTGCCTCCCCGAGAAGCCGGCCTGGCAGCGGCACAGGTAGGCATCACCG-3'
Protein context (NP_005609.3, residues 433-453): AGFSGRHCDD[Asn443=]VDDCASSPCA